The following is an entry in ClinVar:

NM_005732.4(RAD50):c.282del (p.Ile94fs)

Gene: RAD50 (RAD50 double strand break repair protein; plus strand). Cytogenetic location: 5q31.1.
Variant type: Deletion.
Coding change: c.282del on transcript NM_005732.4 (MANE Select); coding-DNA position 282, one base deleted (A; older notation c.282delA).
Protein change: p.Ile94fs; shifts the reading frame from isoleucine 94.
Molecular consequence: frameshift variant.
Genome position (GRCh38, 1-based): chr5:132,575,845, A deleted. VCF-style (leftmost placement, unchanged base first): chr5-132575844-TA-T. GRCh37 (hg19) VCF-style: chr5-131911536-TA-T.
Other names: c.282del (NM_005732.3); short protein forms I94fs.
Identifiers: ClinVar variation 571863 (VCV000571863.15), dbSNP rs1561634357, ClinGen allele CA562769670.

ClinVar aggregate classification (germline): Pathogenic/Likely pathogenic. Review status: criteria provided, multiple submitters, no conflicts (2 of 4 stars). 3 submissions from 3 submitters: Pathogenic (2); Likely pathogenic (1). Last evaluated 2023-12-22.

Conditions:
Nijmegen breakage syndrome-like disorder (NBSLD). Also called: MICROCEPHALY AND SPONTANEOUS CHROMOSOME INSTABILITY WITHOUT IMMUNODEFICIENCY; NBS-LIKE DISORDER; RAD50 DEFICIENCY. Identifiers: Orphanet 240760, MedGen C2751318, MONDO:0013118, OMIM 613078.
Hereditary cancer-predisposing syndrome. Also called: Hereditary neoplastic syndrome; Tumor predisposition; Neoplastic Syndromes, Hereditary; Hereditary Cancer Syndrome. Identifiers: Orphanet 140162, MedGen C0027672, MeSH D009386, MONDO:0015356.

Allele frequency attached by ClinVar (database versions not stated): gnomAD exomes below 0.00001.

Submissions (3):

Labcorp Genetics (formerly Invitae), Labcorp
Classification: Pathogenic for Hereditary cancer-predisposing syndrome. Last evaluated: 2023-12-22. Review status: criteria provided, single submitter. Criteria: Invitae Variant Classification Sherloc (09022015). Collection method: clinical testing. Allele origin: germline.
Comment: This sequence change creates a premature translational stop signal (p.Ile94Metfs*36) in the RAD50 gene. It is expected to result in an absent or disrupted protein product. Loss-of-function variants in RAD50 are known to be pathogenic (PMID: 19409520). This variant is present in population databases (no rsID available, gnomAD 0.0009%). This variant has not been reported in the literature in individuals affected with RAD50-related conditions. ClinVar contains an entry for this variant (Variation ID: 571863). For these reasons, this variant has been classified as Pathogenic.

Baylor Genetics
Classification: Likely pathogenic for Nijmegen breakage syndrome-like disorder. Last evaluated: 2023-11-26. Review status: criteria provided, single submitter. Criteria: ACMG Guidelines, 2015. Collection method: clinical testing. Allele origin: unknown.

Ambry Genetics
Classification: Pathogenic for Hereditary cancer-predisposing syndrome. Last evaluated: 2018-01-24. Review status: criteria provided, single submitter. Criteria: Ambry Variant Classification Scheme 2023. Collection method: clinical testing. Allele origin: germline.
Comment: The c.282delA pathogenic mutation, located in coding exon 3 of the RAD50 gene, results from a deletion of one nucleotide at nucleotide position 282, causing a translational frameshift with a predicted alternate stop codon (p.I94Mfs*36). This alteration is expected to result in loss of function by premature protein truncation or nonsense-mediated mRNA decay. As such, this alteration is interpreted as a disease-causing mutation.

Literature cited by the submitters: PubMed 19409520 (cited by Labcorp Genetics (formerly Invitae), Labcorp).